The following is an entry in ClinVar:

ClinVar aggregate classification (germline): Uncertain significance (1 of 4 stars; one submission).

Submission:

Labcorp Genetics (formerly Invitae), Labcorp
Classification: Uncertain significance. Last evaluated: 2023-01-28. Review status: criteria provided, single submitter. Criteria: Invitae Variant Classification Sherloc (09022015). Collection method: clinical testing. Allele origin: germline.
Comment: This sequence change creates a premature translational stop signal (p.Ser537Lysfs*8) in the IRF2BP2 gene. While this is not anticipated to result in nonsense mediated decay, it is expected to disrupt the last 51 amino acid(s) of the IRF2BP2 protein. This variant is not present in population databases (gnomAD no frequency). This variant has not been reported in the literature in individuals affected with IRF2BP2-related conditions. Experimental studies and prediction algorithms are not available or were not evaluated, and the functional significance of this variant is currently unknown. In summary, the available evidence is currently insufficient to determine the role of this variant in disease. Therefore, it has been classified as a Variant of Uncertain Significance.

NM_182972.3(IRF2BP2):c.1609dup (p.Ser537fs)

Gene: IRF2BP2 (interferon regulatory factor 2 binding protein 2; minus strand). Cytogenetic location: 1q42.3.
Variant type: Duplication.
Coding change: c.1609dup on transcript NM_182972.3 (MANE Select); coding-DNA position 1609, one base duplicated (A; older notation c.1609dupA).
Protein change: p.Ser537fs; shifts the reading frame from serine 537.
Molecular consequence: frameshift variant.
Genome position (GRCh38, 1-based): chr1:234,607,292, T duplicated on the plus strand (A on the coding strand, the reverse complement: IRF2BP2 is on the minus strand); the first of 3 consecutive T bases (chr1:234,607,292-234,607,294); duplicating any one gives the same sequence. VCF-style (leftmost placement, unchanged base first): chr1-234607291-C-CT. GRCh37 (hg19) VCF-style: chr1-234743037-C-CT.
Other names: c.1561dup, p.Ser521fs (NM_001077397.1); short protein forms S521fs, S537fs.
Identifiers: ClinVar variation 2831074 (VCV002831074.3), dbSNP rs2528513260, ClinGen allele CA2739274085.